The following is an entry in ClinVar:

ClinVar aggregate classification (germline): Uncertain significance. Review status: criteria provided, single submitter (1 of 4 stars). 2 submissions from 2 submitters: Uncertain significance (1). 1 of the submissions does not count toward it. Last evaluated 2023-03-27.

Conditions:
Lynch syndrome 5 (LYNCH5). Also called: Colorectal cancer, hereditary nonpolyposis, type 5; Hereditary non-polyposis colorectal cancer, type 5. Identifiers: Orphanet 144, MedGen C1833477, MONDO:0013710, OMIM 614350. Disease mechanism: loss of function.

Submissions (2):

Myriad Genetics, Inc.
Classification: Uncertain significance for Lynch syndrome 5. Last evaluated: 2023-03-27. Review status: criteria provided, single submitter. Criteria: Myriad Autosomal Dominant, Autosomal Recessive and X-Linked Classification Criteria (2023). Collection method: clinical testing. Allele origin: unknown.
Comment: This variant is classified as a variant of uncertain significance as there is insufficient evidence to determine its impact on protein function and/or cancer risk.

Counsyl
Classification: Likely benign for Lynch syndrome 5. Last evaluated: 2017-11-01. Review status: no assertion criteria provided. Collection method: clinical testing. Allele origin: unknown. Not counted in ClinVar's aggregate classification.

NM_000179.3(MSH6):c.4002-11_4002-10delinsA

Gene: MSH6 (mutS homolog 6; plus strand). Cytogenetic location: 2p16.3.
Variant type: Indel.
Coding change: c.4002-11_4002-10delinsA on transcript NM_000179.3 (MANE Select); 11 bases into the intron before coding-DNA position 4002 through 10 bases into the intron before coding-DNA position 4002, TT replaced by A.
Molecular consequence: intron variant.
Genome position (GRCh38, 1-based): chr2:47,806,768-47,806,769, TT replaced by A. VCF-style: chr2-47806768-TT-A. GRCh37 (hg19) VCF-style: chr2-48033907-TT-A.
Other names: c.3096-11_3096-10delinsA (NM_001281493.2, NM_001281494.2); c.3612-11_3612-10delinsA (NM_001281492.2); c.4002-11_4002-10delTTinsA (NM_000179.2).
Identifiers: ClinVar variation 548806 (VCV000548806.3), dbSNP rs1553333946, ClinGen allele CA658822274.